The following is an entry in ClinVar:

NM_018230.3(NUP133):c.3100C>T (p.Leu1034=)

Gene: NUP133 (nucleoporin 133; minus strand). Cytogenetic location: 1q42.13.
Variant type: single nucleotide variant.
Coding change: c.3100C>T on transcript NM_018230.3 (MANE Select); coding-DNA position 3100, C replaced by T.
Protein change: p.Leu1034=; no amino-acid change (leucine 1034 retained).
Molecular consequence: synonymous variant.
Genome position (GRCh38, 1-based): chr1:229,450,605, G>A on the plus strand (C>T on the coding strand, the complement: NUP133 is on the minus strand). VCF-style: chr1-229450605-G-A. GRCh37 (hg19) VCF-style: chr1-229586352-G-A.
Other names: c.3100C>T (NM_018230.2).
Identifiers: ClinVar variation 2059809 (VCV002059809.6), dbSNP rs137974652, ClinGen allele CA1443104.

ClinVar aggregate classification (germline): Likely benign. Review status: criteria provided, single submitter (1 of 4 stars). 2 submissions from 2 submitters: Likely benign (1). 1 of the submissions does not count toward it. Last evaluated 2026-01-27.

Conditions:
NUP133-related disorder. Also called: NUP133-related condition.

Allele frequency attached by ClinVar (database versions not stated): ESP Exome Variant Server 0.00015; gnomAD 0.00016; TOPMed 0.00027; ExAC 0.00032; 1000 Genomes Project 0.00040; 1000 Genomes Project 30x 0.00047.
gnomAD v4.1: 231 of 1,468,956 alleles (0.016%); highest among the groups gnomAD compares: Admixed American, 0.045%; 2 homozygotes.

Submissions (2):

Labcorp Genetics (formerly Invitae), Labcorp
Classification: Likely benign. Last evaluated: 2026-01-27. Review status: criteria provided, single submitter. Criteria: Invitae Variant Classification Sherloc (09022015). Collection method: clinical testing. Allele origin: germline.

PreventionGenetics, part of Exact Sciences
Classification: Likely benign for NUP133-related condition. Last evaluated: 2019-07-10. Review status: no assertion criteria provided. Collection method: clinical testing. Allele origin: germline. Not counted in ClinVar's aggregate classification.
Comment: This variant is classified as likely benign based on ACMG/AMP sequence variant interpretation guidelines (Richards et al. 2015 PMID: 25741868, with internal and published modifications).